The following is an entry in ClinVar:

NM_015650.4(TRAF3IP1):c.1763C>T (p.Thr588Met)

Gene: TRAF3IP1 (TRAF3 interacting protein 1; plus strand). Cytogenetic location: 2q37.3.
Variant type: single nucleotide variant.
Coding change: c.1763C>T on transcript NM_015650.4 (MANE Select); coding-DNA position 1763, C replaced by T.
Protein change: p.Thr588Met; replaces threonine 588 with methionine.
Molecular consequence: missense variant.
Genome position (GRCh38, 1-based): chr2:238,397,532, C>T. VCF-style: chr2-238397532-C-T. GRCh37 (hg19) VCF-style: chr2-239306173-C-T.
Other names: c.1565C>T, p.Thr522Met (NM_001139490.1); short protein forms T522M, T588M.
Identifiers: ClinVar variation 1492301 (VCV001492301.6), dbSNP rs201946956, ClinGen allele CA2198570.

ClinVar aggregate classification (germline): Uncertain significance. Review status: criteria provided, multiple submitters, no conflicts (2 of 4 stars). 2 submissions from 2 submitters: Uncertain significance (2). Last evaluated 2025-02-05.

Conditions:
Senior-Loken syndrome 9 (SLSN9). Identifiers: Orphanet 3156, MedGen C4225263, MONDO:0014712, OMIM 616629.

Allele frequency attached by ClinVar (database versions not stated): gnomAD exomes 0.00003 and 0.00001; ESP Exome Variant Server 0.00008; gnomAD 0.00004; ExAC 0.00004; TOPMed 0.00002.

Submissions (2):

Revvity Omics, Revvity
Classification: Uncertain significance for Senior-Loken syndrome 9. Last evaluated: 2025-02-05. Review status: criteria provided, single submitter. Criteria: ACMG Guidelines, 2015. Collection method: clinical testing. Allele origin: germline.

Labcorp Genetics (formerly Invitae), Labcorp
Classification: Uncertain significance. Last evaluated: 2022-08-09. Review status: criteria provided, single submitter. Criteria: Invitae Variant Classification Sherloc (09022015). Collection method: clinical testing. Allele origin: germline.
Comment: This sequence change replaces threonine, which is neutral and polar, with methionine, which is neutral and non-polar, at codon 588 of the TRAF3IP1 protein (p.Thr588Met). This variant is present in population databases (rs201946956, gnomAD 0.005%). This variant has not been reported in the literature in individuals affected with TRAF3IP1-related conditions. ClinVar contains an entry for this variant (Variation ID: 1492301). Algorithms developed to predict the effect of missense changes on protein structure and function output the following: SIFT: "Tolerated"; PolyPhen-2: "Benign"; Align-GVGD: "Class C0". The methionine amino acid residue is found in multiple mammalian species, which suggests that this missense change does not adversely affect protein function. In summary, the available evidence is currently insufficient to determine the role of this variant in disease. Therefore, it has been classified as a Variant of Uncertain Significance.